The following is an entry in ClinVar:

NM_006031.6(PCNT):c.321G>A (p.Lys107=)

Gene: PCNT (pericentrin; plus strand). Cytogenetic location: 21q22.3.
Variant type: single nucleotide variant.
Coding change: c.321G>A on transcript NM_006031.6 (MANE Select); coding-DNA position 321, G replaced by A.
Protein change: p.Lys107=; no amino-acid change (lysine 107 retained).
Molecular consequence: synonymous variant. On other transcripts: 5 prime UTR variant (1).
Genome position (GRCh38, 1-based): chr21:46,334,450, G>A. VCF-style: chr21-46334450-G-A. GRCh37 (hg19) VCF-style: chr21-47754364-G-A.
Other names: c.-34G>A (NM_001315529.2).
Identifiers: ClinVar variation 4985666 (VCV004985666.1).

ClinVar aggregate classification (germline): Likely benign (1 of 4 stars; one submission).

Conditions:
PCNT-related disorder. Also called: PCNT-related condition.

gnomAD v4.1: 11 of 1,614,108 alleles (0.00068%); highest among the groups gnomAD compares: Non-Finnish European, 0.00085%; no homozygotes.

Submission:

PreventionGenetics, part of Exact Sciences
Classification: Likely benign for PCNT-related condition. Last evaluated: 2025-10-22. Review status: criteria provided, single submitter. Criteria: ACMG Guidelines, 2015. Collection method: clinical testing. Allele origin: germline.
Comment: This variant is classified as likely benign based on ACMG/AMP sequence variant interpretation guidelines (Richards et al. 2015 PMID: 25741868, with internal and published modifications).